The following is an entry in ClinVar:

NM_001330700.2(TOP2B):c.1051G>T (p.Val351Leu)

Gene: TOP2B (DNA topoisomerase II beta; minus strand). Cytogenetic location: 3p24.2.
Variant type: single nucleotide variant.
Coding change: c.1051G>T on transcript NM_001330700.2 (MANE Select); coding-DNA position 1051, G replaced by T.
Protein change: p.Val351Leu; replaces valine 351 with leucine.
Molecular consequence: missense variant.
Genome position (GRCh38, 1-based): chr3:25,632,770, C>A on the plus strand (G>T on the coding strand, the complement: TOP2B is on the minus strand). VCF-style: chr3-25632770-C-A. GRCh37 (hg19) VCF-style: chr3-25674261-C-A.
Other names: c.1036G>T, p.Val346Leu (NM_001068.3); short protein forms V346L, V351L.
Identifiers: ClinVar variation 1481019 (VCV001481019.6), dbSNP rs369506905, ClinGen allele CA2288760.

ClinVar aggregate classification (germline): Uncertain significance (1 of 4 stars; one submission).

Allele frequency attached by ClinVar (database versions not stated): ExAC 0.00002; gnomAD 0.00003 and 0.00008; TOPMed 0.00007; ESP Exome Variant Server 0.00008.
gnomAD v4.1: 41 of 1,612,988 alleles (0.0025%); highest among the groups gnomAD compares: Non-Finnish European, 0.0027%; no homozygotes.

Submission:

Labcorp Genetics (formerly Invitae), Labcorp
Classification: Uncertain significance. Last evaluated: 2024-10-22. Review status: criteria provided, single submitter. Criteria: Invitae Variant Classification Sherloc (09022015). Collection method: clinical testing. Allele origin: germline.
Comment: This sequence change replaces valine, which is neutral and non-polar, with leucine, which is neutral and non-polar, at codon 346 of the TOP2B protein (p.Val346Leu). This variant is present in population databases (rs369506905, gnomAD 0.004%). This variant has not been reported in the literature in individuals affected with TOP2B-related conditions. ClinVar contains an entry for this variant (Variation ID: 1481019). An algorithm developed to predict the effect of missense changes on protein structure and function (PolyPhen-2) suggests that this variant is likely to be tolerated. In summary, the available evidence is currently insufficient to determine the role of this variant in disease. Therefore, it has been classified as a Variant of Uncertain Significance.